The following is an entry in ClinVar:

ClinVar aggregate classification (germline): Conflicting classifications of pathogenicity. Review status: criteria provided, conflicting classifications (1 of 4 stars). 12 submissions from 11 submitters: Uncertain significance (1); Benign (2); Likely benign (7). 2 of the submissions do not count toward it. Last evaluated 2025-12-16.

Conditions:
Cardiovascular phenotype. Identifiers: MedGen CN230736.
Catecholaminergic polymorphic ventricular tachycardia (CVPT). Also called: Catecholamine-induced polymorphic ventricular tachycardia. Identifiers: Orphanet 3286, MedGen C5574922, MONDO:0017990.
Cardiomyopathy (CMYO). Also called: Cardiomyopathies. Identifiers: Orphanet 167848, MedGen C0878544, MONDO:0004994, HP:0001638. Inheritance: Various modes of inheritance.
Catecholaminergic polymorphic ventricular tachycardia 1. Also called: VENTRICULAR TACHYCARDIA, CATECHOLAMINERGIC POLYMORPHIC, 1, WITH OR WITHOUT ATRIAL DYSFUNCTION AND/OR DILATED CARDIOMYOPATHY; VENTRICULAR TACHYCARDIA, STRESS-INDUCED POLYMORPHIC 1; RYR2-Related Catecholaminergic Polymorphic Ventricular Tachycardia. Identifiers: Orphanet 3286, MedGen C1631597, MONDO:0011484, OMIM 604772.
Arrhythmogenic right ventricular dysplasia 2. Identifiers: MedGen C1832931.

Allele frequency attached by ClinVar (database versions not stated): ExAC 0.00012; TOPMed 0.00012; gnomAD 0.00013; gnomAD exomes 0.00014 and 0.00029; ESP Exome Variant Server 0.00017.
gnomAD v4.1: 427 of 1,611,798 alleles (0.026%); highest among the groups gnomAD compares: Non-Finnish European, 0.035%; 1 homozygote.

Submissions (12):

Labcorp Genetics (formerly Invitae), Labcorp
Classification: Likely benign for Catecholaminergic polymorphic ventricular tachycardia 1. Last evaluated: 2025-12-16. Review status: criteria provided, single submitter. Criteria: Invitae Variant Classification Sherloc (09022015). Collection method: clinical testing. Allele origin: germline.

Blueprint Genetics
Classification: Likely benign. Last evaluated: 2024-06-11. Review status: criteria provided, single submitter. Criteria: ACMG Guidelines, 2015. Collection method: clinical testing. Allele origin: germline.

All of Us Research Program, National Institutes of Health
Classification: Likely benign for Catecholaminergic polymorphic ventricular tachycardia. Last evaluated: 2023-12-13. Review status: criteria provided, single submitter. Criteria: ACMG Guidelines, 2015. Collection method: clinical testing. Allele origin: germline. Inheritance: Autosomal dominant inheritance. Observed: 25 variant alleles, 25 heterozygotes.
Comment: This study involves interpretation of variants in research participants for the purpose of population health screening. Participant phenotype was not available at the time of variant classification. Additional details can be found in publication PMID: 35346344, PMCID: PMC8962531

CeGaT Center for Human Genetics Tuebingen
Classification: Likely benign. Last evaluated: 2023-04-01. Review status: criteria provided, single submitter. Criteria: CeGaT Center For Human Genetics Tuebingen Variant Classification Criteria Version 2. Collection method: clinical testing. Allele origin: germline. Affected: yes. Observed: 2 variant alleles.
Comment: RYR2: BP4, BP7

Ambry Genetics
Classification: Likely benign for Cardiovascular phenotype. Last evaluated: 2019-07-28. Review status: criteria provided, single submitter. Criteria: Ambry Variant Classification Scheme 2023. Collection method: clinical testing. Allele origin: germline.

Color Diagnostics, LLC DBA Color Health
Classification: Likely benign for Cardiomyopathy. Last evaluated: 2018-10-30. Review status: criteria provided, single submitter. Criteria: ACMG Guidelines, 2015. Collection method: clinical testing. Allele origin: germline.

Illumina Laboratory Services, Illumina
Classification: Uncertain significance for Catecholaminergic polymorphic ventricular tachycardia 1. Last evaluated: 2018-01-12. Review status: criteria provided, single submitter. Criteria: ICSL Variant Classification Criteria 13 December 2019. Collection method: clinical testing. Allele origin: germline.

Illumina Laboratory Services, Illumina
Classification: Likely benign for Catecholaminergic polymorphic ventricular tachycardia 1. Last evaluated: 2018-01-12. Review status: criteria provided, single submitter. Criteria: ICSL Variant Classification Criteria 13 December 2019. Collection method: clinical testing. Allele origin: germline.
Comment: This variant was observed in the ICSL laboratory as part of a predisposition screen in an ostensibly healthy population. It had not been previously curated by ICSL or reported in the Human Gene Mutation Database (HGMD: prior to June 1st, 2018), and was therefore a candidate for classification through an automated scoring system. Utilizing variant allele frequency, disease prevalence and penetrance estimates, and inheritance mode, an automated score was calculated to assess if this variant is too frequent to cause the disease. Based on the score and internal cut-off values, a variant classified as likely benign is not then subjected to further curation. The score for this variant resulted in a classification of likely benign for this disease.

Women's Health and Genetics/Laboratory Corporation of America, LabCorp
Classification: Benign. Last evaluated: 2017-08-22. Review status: criteria provided, single submitter. Criteria: LabCorp Variant Classification Summary - May 2015. Collection method: clinical testing. Allele origin: germline.
Comment: Variant summary: The RYR2 c.9963G>A (p.Pro3321Pro) variant involves the alteration of a non-conserved nucleotide, resulting in a synonymous change. One in silico tool predicts a damaging outcome for this variant. 5/5 splice prediction tools predict no significant impact on normal splicing. However, these predictions have yet to be confirmed by functional studies. This variant was found in 13/106140 control chromosomes at a frequency of 0.0001225, which is approximately 5 times the estimated maximal expected allele frequency of a pathogenic RYR2 variant (0.000025), suggesting this variant is likely a benign polymorphism. In addition, one clinical diagnostic laboratory/reputable databases classified this variant as likely benign. The variant of interest has not, to our knowledge, been reported in affected individuals via publications nor evaluated for functional impact by in vivo/vitro studies. Taken together, this variant is classified as benign.

GeneDx
Classification: Benign. Last evaluated: 2015-03-03. Review status: criteria provided, single submitter. Criteria: GeneDx Variant Classification Process June 2021. Collection method: clinical testing. Allele origin: germline. Affected: yes.

Clinical Genetics, Academic Medical Center
Classification: Benign. Review status: no assertion criteria provided. Collection method: clinical testing. Allele origin: germline. Affected: yes. Study: VKGL Data-share Consensus. Not counted in ClinVar's aggregate classification.

Diagnostic Laboratory, Department of Genetics, University Medical Center Groningen
Classification: Likely benign. Review status: no assertion criteria provided. Collection method: clinical testing. Allele origin: germline. Affected: yes. Study: VKGL Data-share Consensus. Not counted in ClinVar's aggregate classification.

NM_001035.3(RYR2):c.9963G>A (p.Pro3321=)

Gene: RYR2 (ryanodine receptor 2; plus strand). Cytogenetic location: 1q43.
Variant type: single nucleotide variant.
Coding change: c.9963G>A on transcript NM_001035.3 (MANE Select); coding-DNA position 9963, G replaced by A.
Protein change: p.Pro3321=; no amino-acid change (proline 3321 retained).
Molecular consequence: synonymous variant.
Genome position (GRCh38, 1-based): chr1:237,708,919, G>A. VCF-style: chr1-237708919-G-A. GRCh37 (hg19) VCF-style: chr1-237872219-G-A.
Other names: c.9963G>A, p.Pro3321= (LRG_402t1).
Identifiers: ClinVar variation 412820 (VCV000412820.52), dbSNP rs199730192, ClinGen allele CA087988.